The following is an entry in ClinVar:

NM_173495.3(PTCHD1):c.71A>C (p.His24Pro)

Gene: PTCHD1 (patched domain containing 1; plus strand). Cytogenetic location: Xp22.11.
Variant type: single nucleotide variant.
Coding change: c.71A>C on transcript NM_173495.3 (MANE Select); coding-DNA position 71, A replaced by C.
Protein change: p.His24Pro; replaces histidine 24 with proline.
Molecular consequence: missense variant.
Genome position (GRCh38, 1-based): chrX:23,334,946, A>C. VCF-style: chrX-23334946-A-C. GRCh37 (hg19) VCF-style: chrX-23353063-A-C.
Other names: short protein forms H24P.
Identifiers: ClinVar variation 1678681 (VCV001678681.3), dbSNP rs2146604111, ClinGen allele CA412578873.

ClinVar aggregate classification (germline): Uncertain significance (1 of 4 stars; one submission).

Submission:

GeneDx
Classification: Uncertain significance. Last evaluated: 2024-11-17. Review status: criteria provided, single submitter. Criteria: GeneDx Variant Classification Process June 2021. Collection method: clinical testing. Allele origin: germline. Affected: yes.
Comment: Not observed at significant frequency in large population cohorts (gnomAD); In silico analysis supports that this missense variant has a deleterious effect on protein structure/function; Has not been previously published as pathogenic or benign to our knowledge